The following is an entry in ClinVar:

ClinVar aggregate classification (germline): Uncertain significance (1 of 4 stars; one submission).

Conditions:
LAMA2-related muscular dystrophy (LAMA2-RD). Also called: Laminin alpha 2-related dystrophy. Identifiers: MedGen C5679788, MONDO:0100228.

gnomAD v4.1: 11 of 1,601,760 alleles (0.00069%); highest among the groups gnomAD compares: South Asian, 0.0011%; no homozygotes.

Submission:

Labcorp Genetics (formerly Invitae), Labcorp
Classification: Uncertain significance for LAMA2-related muscular dystrophy. Last evaluated: 2022-03-03. Review status: criteria provided, single submitter. Criteria: Invitae Variant Classification Sherloc (09022015). Collection method: clinical testing. Allele origin: germline.
Comment: This sequence change replaces arginine, which is basic and polar, with serine, which is neutral and polar, at codon 619 of the LAMA2 protein (p.Arg619Ser). This variant is not present in population databases (gnomAD no frequency). This variant has not been reported in the literature in individuals affected with LAMA2-related conditions. Advanced modeling of protein sequence and biophysical properties (such as structural, functional, and spatial information, amino acid conservation, physicochemical variation, residue mobility, and thermodynamic stability) performed at Invitae indicates that this missense variant is not expected to disrupt LAMA2 protein function. In summary, the available evidence is currently insufficient to determine the role of this variant in disease. Therefore, it has been classified as a Variant of Uncertain Significance.

NM_000426.4(LAMA2):c.1855C>A (p.Arg619Ser)

Gene: LAMA2 (laminin subunit alpha 2; plus strand). Cytogenetic location: 6q22.33.
Variant type: single nucleotide variant.
Coding change: c.1855C>A on transcript NM_000426.4 (MANE Select); coding-DNA position 1855, C replaced by A.
Protein change: p.Arg619Ser; replaces arginine 619 with serine.
Molecular consequence: missense variant.
Genome position (GRCh38, 1-based): chr6:129,250,184, C>A. VCF-style: chr6-129250184-C-A. GRCh37 (hg19) VCF-style: chr6-129571329-C-A.
Other names: c.1855C>A, p.Arg619Ser (NM_001079823.2); short protein forms R619S.
Identifiers: ClinVar variation 1503543 (VCV001503543.5), dbSNP rs775316325, ClinGen allele CA365609621.